The following is an entry in ClinVar:

NM_006785.4(MALT1):c.56G>T (p.Gly19Val)

Genes: MALT1 (MALT1 paracaspase; plus strand), MALT1-AS1 (MALT1 antisense RNA 1; minus strand), LOC130062586 (ATAC-STARR-seq lymphoblastoid silent region 9487; plus strand). Cytogenetic location: 18q21.32.
Variant type: single nucleotide variant.
Coding change: c.56G>T on transcript NM_006785.4 (MANE Select); coding-DNA position 56, G replaced by T.
Protein change: p.Gly19Val; replaces glycine 19 with valine.
Molecular consequence: missense variant. On other transcripts: non-coding transcript variant (1).
Genome position (GRCh38, 1-based): chr18:58,671,699, G>T. VCF-style: chr18-58671699-G-T. GRCh37 (hg19) VCF-style: chr18-56338931-G-T.
Other names: c.56G>T, p.Gly19Val (NM_173844.3); short protein forms G19V.
Identifiers: ClinVar variation 1972047 (VCV001972047.5), dbSNP rs1356821348, ClinGen allele CA402570665.

ClinVar aggregate classification (germline): Uncertain significance (1 of 4 stars; one submission).

Conditions:
Combined immunodeficiency due to MALT1 deficiency. Also called: Immunodeficiency 12. Identifiers: Orphanet 397964, MedGen C3809583, MONDO:0014197, OMIM 615468.

Allele frequency attached by ClinVar (database versions not stated): gnomAD exomes 0.00001; TOPMed 0.00001.
gnomAD v4.1: 17 of 1,262,462 alleles (0.0013%); highest among the groups gnomAD compares: Non-Finnish European, 0.0014%; no homozygotes.

Submission:

Labcorp Genetics (formerly Invitae), Labcorp
Classification: Uncertain significance for Combined immunodeficiency due to MALT1 deficiency. Last evaluated: 2023-05-08. Review status: criteria provided, single submitter. Criteria: Invitae Variant Classification Sherloc (09022015). Collection method: clinical testing. Allele origin: germline.
Comment: ClinVar contains an entry for this variant (Variation ID: 1972047). In summary, the available evidence is currently insufficient to determine the role of this variant in disease. Therefore, it has been classified as a Variant of Uncertain Significance. Algorithms developed to predict the effect of missense changes on protein structure and function output the following: SIFT: "Not Available"; PolyPhen-2: "Probably Damaging"; Align-GVGD: "Not Available". The valine amino acid residue is found in multiple mammalian species, which suggests that this missense change does not adversely affect protein function. This variant has not been reported in the literature in individuals affected with MALT1-related conditions. This variant is not present in population databases (gnomAD no frequency). This sequence change replaces glycine, which is neutral and non-polar, with valine, which is neutral and non-polar, at codon 19 of the MALT1 protein (p.Gly19Val).